The following is an entry in ClinVar:

ClinVar aggregate classification (germline): Uncertain significance (1 of 4 stars; one submission).

Conditions:
Cryopyrin associated periodic syndrome (CAPS). Identifiers: Orphanet 208650, MedGen C2316212, MONDO:0016168.

gnomAD v4.1: 8 of 1,614,182 alleles (0.0005%); highest among the groups gnomAD compares: Non-Finnish European, 0.00068%; no homozygotes.

Submission:

Labcorp Genetics (formerly Invitae), Labcorp
Classification: Uncertain significance for Cryopyrin associated periodic syndrome. Last evaluated: 2019-06-25. Review status: criteria provided, single submitter. Criteria: Invitae Variant Classification Sherloc (09022015). Collection method: clinical testing. Allele origin: germline.
Comment: This variant is not present in population databases (ExAC no frequency). This sequence change replaces proline with arginine at codon 651 of the NLRP3 protein (p.Pro651Arg). The proline residue is moderately conserved and there is a moderate physicochemical difference between proline and arginine. This variant has not been reported in the literature in individuals with NLRP3-related disease. In summary, the available evidence is currently insufficient to determine the role of this variant in disease. Therefore, it has been classified as a Variant of Uncertain Significance. Algorithms developed to predict the effect of missense changes on protein structure and function do not agree on the potential impact of this missense change (SIFT: "Tolerated"; PolyPhen-2: "Possibly Damaging"; Align-GVGD: "Class C0").

NM_001243133.2(NLRP3):c.1946C>G (p.Pro649Arg)

Gene: NLRP3 (NLR family pyrin domain containing 3; plus strand). Cytogenetic location: 1q44.
Variant type: single nucleotide variant.
Coding change: c.1946C>G on transcript NM_001243133.2 (MANE Select); coding-DNA position 1946, C replaced by G.
Protein change: p.Pro649Arg; replaces proline 649 with arginine.
Molecular consequence: missense variant.
Genome position (GRCh38, 1-based): chr1:247,425,395, C>G. VCF-style: chr1-247425395-C-G. GRCh37 (hg19) VCF-style: chr1-247588697-C-G.
Other names: c.1946C>G, p.Pro649Arg (NM_001079821.3, NM_001127461.3, NM_001127462.3 and 1 more transcripts); c.1952C>G, p.Pro651Arg (NM_004895.5); short protein forms P649R, P651R.
Identifiers: ClinVar variation 943402 (VCV000943402.9), dbSNP rs1662796733, ClinGen allele CA345558269.